The following is an entry in ClinVar:

ClinVar aggregate classification (germline): Uncertain significance. Review status: criteria provided, multiple submitters, no conflicts (2 of 4 stars). 2 submissions from 2 submitters: Uncertain significance (2). Last evaluated 2025-06-25.

Conditions:
Inborn genetic diseases. Identifiers: MedGen C0950123, MeSH D030342.

Allele frequency attached by ClinVar (database versions not stated): ExAC 0.00002; 1000 Genomes Project 30x 0.00016; 1000 Genomes Project 0.00020.
gnomAD v4.1: 28 of 1,613,992 alleles (0.0017%); highest among the groups gnomAD compares: South Asian, 0.019%; no homozygotes.

Submissions (2):

Ambry Genetics
Classification: Uncertain significance for Inborn genetic diseases. Last evaluated: 2025-06-25. Review status: criteria provided, single submitter. Criteria: Ambry Variant Classification Scheme 2023. Collection method: clinical testing. Allele origin: germline.

Labcorp Genetics (formerly Invitae), Labcorp
Classification: Uncertain significance. Last evaluated: 2024-02-24. Review status: criteria provided, single submitter. Criteria: Invitae Variant Classification Sherloc (09022015). Collection method: clinical testing. Allele origin: germline.
Comment: This sequence change replaces arginine, which is basic and polar, with glutamine, which is neutral and polar, at codon 1275 of the ABCC6 protein (p.Arg1275Gln). This variant is present in population databases (rs200010958, gnomAD 0.01%). This variant has not been reported in the literature in individuals affected with ABCC6-related conditions. ClinVar contains an entry for this variant (Variation ID: 1921500). Algorithms developed to predict the effect of missense changes on protein structure and function output the following: SIFT: "Not Available"; PolyPhen-2: "Possibly Damaging"; Align-GVGD: "Not Available". The glutamine amino acid residue is found in multiple mammalian species, which suggests that this missense change does not adversely affect protein function. In summary, the available evidence is currently insufficient to determine the role of this variant in disease. Therefore, it has been classified as a Variant of Uncertain Significance.

NM_001171.6(ABCC6):c.3824G>A (p.Arg1275Gln)

Gene: ABCC6 (ATP binding cassette subfamily C member 6; minus strand). Cytogenetic location: 16p13.11.
Variant type: single nucleotide variant.
Coding change: c.3824G>A on transcript NM_001171.6 (MANE Select); coding-DNA position 3824, G replaced by A.
Protein change: p.Arg1275Gln; replaces arginine 1275 with glutamine.
Molecular consequence: missense variant. On other transcripts: non-coding transcript variant (1).
Genome position (GRCh38, 1-based): chr16:16,157,721, C>T on the plus strand (G>A on the coding strand, the complement: ABCC6 is on the minus strand). VCF-style: chr16-16157721-C-T. GRCh37 (hg19) VCF-style: chr16-16251578-C-T.
Other names: c.3482G>A, p.Arg1161Gln (NM_001351800.1); c.3824G>A (NM_001171.5); short protein forms R1161Q, R1275Q.
Identifiers: ClinVar variation 1921500 (VCV001921500.5), dbSNP rs200010958, ClinGen allele CA7925411.